The following is an entry in ClinVar:

ClinVar aggregate classification (germline): Conflicting classifications of pathogenicity. Review status: criteria provided, conflicting classifications (1 of 4 stars). 3 submissions from 3 submitters: Uncertain significance (1); Likely benign (2). Last evaluated 2024-03-09.

Conditions:
Hereditary cancer-predisposing syndrome. Also called: Hereditary neoplastic syndrome; Tumor predisposition; Hereditary Cancer Syndrome; Neoplastic Syndromes, Hereditary. Identifiers: Orphanet 140162, MedGen C0027672, MeSH D009386, MONDO:0015356.

Submissions (3):

Ambry Genetics
Classification: Likely benign for Hereditary cancer-predisposing syndrome. Last evaluated: 2024-03-09. Review status: criteria provided, single submitter. Criteria: Ambry Variant Classification Scheme 2023. Collection method: clinical testing. Allele origin: germline.

University of Washington Department of Laboratory Medicine, University of Washington
Classification: Likely benign for Hereditary cancer-predisposing syndrome. Last evaluated: 2023-03-23. Review status: criteria provided, single submitter. Criteria: Dines et al. (Genet Med. 2020). Collection method: curation. Allele origin: germline.
Comment: Missense variant in a coldspot region where missense variants are very unlikely to be pathogenic (PMID:31911673).

BRCA2 exon 10 coldspot. Reclassification based on statistical prior probability.

Women's Health and Genetics/Laboratory Corporation of America, LabCorp
Classification: Uncertain significance. Last evaluated: 2016-12-01. Review status: criteria provided, single submitter. Criteria: LabCorp Variant Classification Summary - May 2015. Collection method: clinical testing. Allele origin: germline.
Comment: Variant summary: The BRCA2 c.1015G>A (p.Asp339Asn) variant causes a missense change involving a non-conserved nucleotide, which 4/5 in silico tools predict a benign outcome, although these predictions have yet to be functionally assessed. The variant of interest has not been observed in controls (ExAC, 1000 Gs, or ESP), nor has it been, to our knowledge, reported in affected individuals via publications and/or reputable databases/clinical diagnostic laboratories. Therefore, the variant of interest has been classified as a "Variant of Uncertain Significance (VUS)," until additional information becomes available.

NM_000059.4(BRCA2):c.1015G>A (p.Asp339Asn)

Gene: BRCA2 (BRCA2 DNA repair associated; plus strand). Cytogenetic location: 13q13.1.
Variant type: single nucleotide variant.
Coding change: c.1015G>A on transcript NM_000059.4 (MANE Select); coding-DNA position 1015, G replaced by A.
Protein change: p.Asp339Asn; replaces aspartic acid 339 with asparagine.
Molecular consequence: missense variant.
Genome position (GRCh38, 1-based): chr13:32,332,493, G>A. VCF-style: chr13-32332493-G-A. GRCh37 (hg19) VCF-style: chr13-32906630-G-A.
Other names: short protein forms D339N.
Identifiers: ClinVar variation 495428 (VCV000495428.5), dbSNP rs1555281693, ClinGen allele CA387761101.